The following is an entry in ClinVar:

NM_130384.3(ATRIP):c.586G>T (p.Asp196Tyr)

Genes: ATRIP (ATR interacting protein; plus strand), ATRIP-TREX1 (ATRIP-TREX1 readthrough; plus strand). Cytogenetic location: 3p21.31.
Variant type: single nucleotide variant.
Coding change: c.586G>T on transcript NM_130384.3 (MANE Select); coding-DNA position 586, G replaced by T.
Protein change: p.Asp196Tyr; replaces aspartic acid 196 with tyrosine.
Molecular consequence: missense variant. On other transcripts: non-coding transcript variant (1).
Genome position (GRCh38, 1-based): chr3:48,454,333, G>T. VCF-style: chr3-48454333-G-T. GRCh37 (hg19) VCF-style: chr3-48495733-G-T.
Other names: c.205G>T, p.Asp69Tyr (NM_001271022.2); c.307G>T, p.Asp103Tyr (NM_001271023.2); c.586G>T, p.Asp196Tyr (NM_032166.4); short protein forms D103Y, D196Y, D69Y.
Identifiers: ClinVar variation 3464425 (VCV003464425.1).

ClinVar aggregate classification (germline): Uncertain significance (1 of 4 stars; one submission).

gnomAD v4.1: 2 of 1,613,496 alleles (0.00012%); highest among the groups gnomAD compares: African/African-American, 0.0027%; no homozygotes.

Submission:

Ambry Genetics
Classification: Uncertain significance. Last evaluated: 2024-11-24. Review status: criteria provided, single submitter. Criteria: Ambry Variant Classification Scheme 2023. Collection method: clinical testing. Allele origin: germline.
Comment: The p.D196Y variant (also known as c.586G>T), located in coding exon 4 of the ATRIP gene, results from a G to T substitution at nucleotide position 586. The aspartic acid at codon 196 is replaced by tyrosine, an amino acid with highly dissimilar properties. This amino acid position is conserved. In addition, this alteration is predicted to be deleterious by in silico analysis. Based on the available evidence, the clinical significance of this variant remains unclear.